The following is an entry in ClinVar:

ClinVar aggregate classification (germline): Uncertain significance (1 of 4 stars; one submission).

Conditions:
Developmental and epileptic encephalopathy, 36 (DEE36). Also called: Epileptic encephalopathy, early infantile, 36; Congenital disorder of glycosylation, type Is; ALG13-CDG. Identifiers: Orphanet 324422, MedGen C4317295, MONDO:0010472, OMIM 300884.

Submission:

Baylor Genetics
Classification: Uncertain significance for Developmental and epileptic encephalopathy, 36. Last evaluated: 2019-01-15. Review status: criteria provided, single submitter. Criteria: ACMG Guidelines, 2015. Collection method: clinical testing. Allele origin: maternal. Affected: yes.
Comment: This variant was determined to be of uncertain significance according to ACMG Guidelines, 2015 [PMID:25741868].

NM_001099922.3(ALG13):c.2047A>G (p.Lys683Glu)

Gene: ALG13 (ALG13 UDP-N-acetylglucosaminyltransferase subunit; plus strand). Cytogenetic location: Xq23.
Variant type: single nucleotide variant.
Coding change: c.2047A>G on transcript NM_001099922.3 (MANE Select); coding-DNA position 2047, A replaced by G.
Protein change: p.Lys683Glu; replaces lysine 683 with glutamic acid.
Molecular consequence: missense variant. On other transcripts: non-coding transcript variant (1).
Genome position (GRCh38, 1-based): chrX:111,727,402, A>G. VCF-style: chrX-111727402-A-G. GRCh37 (hg19) VCF-style: chrX-110970630-A-G.
Other names: c.1735A>G, p.Lys579Glu (NM_001257230.2, NM_001257234.2, NM_001257237.2); c.1813A>G, p.Lys605Glu (NM_001257231.2); c.2047A>G, p.Lys683Glu (NM_001324292.2); c.1561A>G, p.Lys521Glu (NM_001324293.1); short protein forms K521E, K579E, K605E, K683E.
Identifiers: ClinVar variation 1028563 (VCV001028563.1), dbSNP rs1942189447, ClinGen allele CA414253132.